The following is an entry in ClinVar:

NM_001165963.4(SCN1A):c.3622A>G (p.Arg1208Gly)

Genes: SCN1A (sodium voltage-gated channel alpha subunit 1; minus strand), LOC102724058 (uncharacterized LOC102724058; plus strand). Cytogenetic location: 2q24.3.
Variant type: single nucleotide variant.
Coding change: c.3622A>G on transcript NM_001165963.4 (MANE Select); coding-DNA position 3622, A replaced by G.
Protein change: p.Arg1208Gly; replaces arginine 1208 with glycine.
Molecular consequence: missense variant. On other transcripts: non-coding transcript variant (1).
Genome position (GRCh38, 1-based): chr2:166,013,827, T>C on the plus strand (A>G on the coding strand, the complement: SCN1A is on the minus strand). VCF-style: chr2-166013827-T-C. GRCh37 (hg19) VCF-style: chr2-166870337-T-C.
Other names: c.3622A>G, p.Arg1208Gly (NM_001202435.3, NM_001353948.2); c.3589A>G, p.Arg1197Gly (NM_001353949.2, NM_001353950.2, NM_001353951.2 and 2 more transcripts); c.3586A>G, p.Arg1196Gly (NM_001353954.2, NM_001353955.2); c.3538A>G, p.Arg1180Gly (NM_001353957.2, NM_001353958.2, NM_001165964.3); c.3535A>G, p.Arg1179Gly (NM_001353960.2); c.1180A>G, p.Arg394Gly (NM_001353961.2); short protein forms R1179G, R1180G, R1196G, R1197G, R1208G, R394G.
Identifiers: ClinVar variation 2578871 (VCV002578871.25), dbSNP rs1553532650, ClinGen allele CA349056098.
Genomic context (GRCh38, chr2:166,013,827, plus strand): 5'-TCATGAAAACAATGAAGGTCTCAAACCAGTTATGTTCAACTATTCGGAAACACGTCCTTC[T>C]CAGGTTCCACCATTGTTTTCCTCTGCCTTCTTCCACATTGATTTGACAACACTTGAATCT-3'
Protein context (NP_001159435.1, residues 1198-1218): EGRGKQWWNL[Arg1208Gly]RTCFRIVEHN

ClinVar aggregate classification (germline): Uncertain significance (1 of 4 stars; one submission).

Submission:

CeGaT Center for Human Genetics Tuebingen
Classification: Uncertain significance. Last evaluated: 2023-07-01. Review status: criteria provided, single submitter. Criteria: CeGaT Center For Human Genetics Tuebingen Variant Classification Criteria Version 2. Collection method: clinical testing. Allele origin: germline. Affected: yes. Observed: 1 variant allele.
Comment: SCN1A: PM2, PP2, PP3